The following is an entry in ClinVar:

NM_030662.4(MAP2K2):c.303+127A>G

Gene: MAP2K2 (mitogen-activated protein kinase kinase 2; minus strand). Cytogenetic location: 19p13.3.
Variant type: single nucleotide variant.
Coding change: c.303+127A>G on transcript NM_030662.4 (MANE Select); 127 bases into the intron after coding-DNA position 303, A replaced by G.
Molecular consequence: intron variant.
Genome position (GRCh38, 1-based): chr19:4,117,292, T>C on the plus strand (A>G on the coding strand, the complement: MAP2K2 is on the minus strand). VCF-style: chr19-4117292-T-C. GRCh37 (hg19) VCF-style: chr19-4117290-T-C.
Identifiers: ClinVar variation 561366 (VCV000561366.2), dbSNP rs350891, ClinGen allele CA14681482.

ClinVar aggregate classification (germline): Benign. Review status: criteria provided, multiple submitters, no conflicts (2 of 4 stars). 2 submissions from 2 submitters: Benign (2). Last evaluated 2018-06-14.

Allele frequency attached by ClinVar (database versions not stated): TOPMed 0.76830; gnomAD 0.77299 and 0.77461; 1000 Genomes Project 0.79553.
gnomAD v4.1: 703,233 of 907,438 alleles (77%); highest among the groups gnomAD compares: East Asian, 89%; 273,313 homozygotes.

Submissions (2):

GeneDx
Classification: Benign. Last evaluated: 2018-06-14. Review status: criteria provided, single submitter. Criteria: GeneDx Variant Classification (06012015). Collection method: clinical testing. Allele origin: germline. Affected: yes.
Comment: This variant is considered likely benign or benign based on one or more of the following criteria: it is a conservative change, it occurs at a poorly conserved position in the protein, it is predicted to be benign by multiple in silico algorithms, and/or has population frequency not consistent with disease.

Breakthrough Genomics
Classification: Benign. Review status: criteria provided, single submitter. Criteria: ACMG Guidelines, 2015. Collection method: not provided. Allele origin: germline. Inheritance: Autosomal dominant inheritance. Affected: yes.